The following continues an entry in ClinVar:

NM_001329943.3(KIAA0586):c.392del (p.Arg131fs)

Gene: KIAA0586. ClinVar aggregate classification (germline): Pathogenic/Likely pathogenic. Pathogenic (36); Likely pathogenic (2).

Submissions 22 to 39 of 48:

Greenwood Genetic Center Diagnostic Laboratories, Greenwood Genetic Center
Classification: Pathogenic for Joubert syndrome 23; Short-rib thoracic dysplasia 14 with polydactyly. Last evaluated: 2021-08-18. Review status: criteria provided, single submitter. Criteria: ACMG Guidelines, 2015. Collection method: clinical testing. Allele origin: germline. Affected: yes.
Comment: PVS1, PM3_strong

Women's Health and Genetics/Laboratory Corporation of America, LabCorp
Classification: Pathogenic for Joubert syndrome and related disorders. Last evaluated: 2021-07-23. Review status: criteria provided, single submitter. Criteria: LabCorp Variant Classification Summary - May 2015. Collection method: clinical testing. Allele origin: germline.
Comment: Variant summary: KIAA0586 c.428delG (p.Arg143LysfsX4) results in a premature termination codon, predicted to cause a truncation of the encoded protein or absence of the protein due to nonsense mediated decay, which are commonly known mechanisms for disease. The variant allele was found at a frequency of 0.0031 in 217674 control chromosomes in the gnomAD database, including 1 homozygote. The observed variant frequency is approximately 3-fold of the estimated maximal expected allele frequency for a pathogenic variant in KIAA0586 causing Joubert Syndrome And Related Disorders phenotype (0.001). c.428delG has been reported in the literature in the compound heterozygous and homozygous state in multiple individuals affected with Joubert Syndrome And Related Disorders (e.g. Bachmann-Gagescu_2015, Roosing_2015, Pauli_2019, Sumathipala_2020). However, this variant was also found in healthy individuals in homozygous state in the literature (e.g. Pauli_2019). Pauli et al (2019) reports that c.428delG represents JB only if present in compound heterozygous state with a more severe KIAA0586 variant but not in a homozygous situation. They also state that if present in the homozygous state, mutations in other ciliopathy genes may be necessary for disease manifestation. Overall, these data indicate that the variant is very likely to be associated with disease. RNA analysis from the healthy homozygous individual carrying the variant revealed that transcripts are still expressed and may elude the mechanism of nonsense-mediated decay (Pauli_2019). However, another study reports absence of protein in fibroblasts taken from compound heterozygous patients (Roosing_2015). Seventeen ClinVar submitters (evaluation after 2014) cite the variant as pathogenic/likely pathogenic. Based on the evidence outlined above, the variant was classified as pathogenic.

Pittsburgh Clinical Genomics Laboratory, University of Pittsburgh Medical Center
Classification: Pathogenic for Joubert syndrome 23. Last evaluated: 2021-05-06. Review status: criteria provided, single submitter. Criteria: ACMG Guidelines, 2015. Collection method: clinical testing. Allele origin: germline. Inheritance: Autosomal recessive inheritance. Affected: yes.
Comment: This sequence variantis a single nucleotide deletion (delG) in exon 5 of 34, and may result in a truncated protein or loss of KIAA0586 expression due to nonsense mediated decay. This variant is present in control population datasets including 2 homozygotes (gnomAD database, 777/249074 alleles, or 0.3%), and has been observed in multiple individuals with Joubert syndrome and KIAA0586-related disorders (PMIDs: 26096313, 26386044). This variant is considered disease causing for a mild form of Joubert syndrome when identified in trans with a known pathogenic KIAA0586 variant (PMID: 26096313). It is important to note, that this variant has been detected in a homozygous state in uffected individuals in population databases and in the literature (PMID: 30120217). R alysis from an uffected homozygous individual suggests that KIAA0586 transcripts carrying this variant persist (PMID: 30120217); however, a separate study reports the absence of KIAA0586 protein product in individuals with compound heterozygous pathogenic variants (PMID: 26026149). Based upon the evidence, we consider this variant to be pathogenic. ACMG Criteria: PM3, PP5, PS3, PVS1

Institute of Medical Genetics and Applied Genomics, University Hospital Tübingen
Classification: Pathogenic. Last evaluated: 2020-10-23. Review status: criteria provided, single submitter. Criteria: ACMG Guidelines, 2015. Collection method: clinical testing. Allele origin: germline. Inheritance: Unknown mechanism. Affected: yes.

HudsonAlpha Institute for Biotechnology
Classification: Pathogenic for Joubert syndrome 23. Last evaluated: 2020-03-03. Review status: criteria provided, single submitter. Criteria: ACMG Guidelines, 2015. Collection method: research. Allele origin: unknown. Affected: yes. Observed: 1 variant allele. Study: HudsonAlpha-AGHI-WGS.
Comment: ACMG codes:PVS1, PM3, PP5

Centre for Mendelian Genomics, University Medical Centre Ljubljana
Classification: Pathogenic for Joubert syndrome 23. Last evaluated: 2019-11-21. Review status: criteria provided, single submitter. Criteria: ACMG Guidelines, 2015. Collection method: clinical testing. Allele origin: unknown. Affected: yes.
Comment: This variant was classified as: Pathogenic. The following ACMG criteria were applied in classifying this variant: PVS1,PS1.

Mendelics
Classification: Pathogenic for Joubert syndrome 23. Last evaluated: 2019-05-28. Review status: criteria provided, single submitter. Criteria: Mendelics Assertion Criteria 2017. Collection method: clinical testing. Allele origin: unknown.

Institute of Human Genetics Munich, TUM University Hospital
Classification: Pathogenic for Joubert syndrome 23. Last evaluated: 2018-03-15. Review status: criteria provided, single submitter. Criteria: Classification criteria August 2017. Collection method: clinical testing. Allele origin: germline. Inheritance: Autosomal recessive inheritance. Affected: yes. Observed: 1 homozygote.

Genomic Research Center, Shahid Beheshti University of Medical Sciences
Classification: Pathogenic for Joubert syndrome 23. Last evaluated: 2018-03-05. Review status: criteria provided, single submitter. Criteria: ACMG Guidelines, 2015. Collection method: clinical testing. Allele origin: inherited. Affected: no. Observed: 1 variant allele.

Eurofins Ntd Llc (ga)
Classification: Pathogenic. Last evaluated: 2017-06-08. Review status: criteria provided, single submitter. Criteria: EGL Classification Definitions 2015. Collection method: clinical testing. Allele origin: germline. Observed: 3 variant alleles, 3 heterozygotes.

Mayo Clinic Laboratories, Mayo Clinic
Classification: Pathogenic for Joubert syndrome 23. Last evaluated: 2017-06-02. Review status: criteria provided, single submitter. Criteria: ACMG Guidelines, 2015. Collection method: clinical testing. Allele origin: maternal.

CENTOGENE GmbH and LLC - Guiding Precision Medicine
Classification: Pathogenic for Joubert syndrome 23. Last evaluated: 2017-01-13. Review status: criteria provided, single submitter. Criteria: ACMG Guidelines, 2015. Collection method: clinical testing. Allele origin: germline. Affected: yes.

Center for Pediatric Genomic Medicine, Children's Mercy Hospital and Clinics
Classification: Pathogenic. Last evaluated: 2016-11-17. Review status: criteria provided, single submitter. Criteria: ACMG Guidelines, 2015. Collection method: clinical testing. Allele origin: germline.

Laboratory for Molecular Medicine, Mass General Brigham Personalized Medicine
Classification: Pathogenic for Joubert syndrome. Last evaluated: 2016-06-07. Review status: criteria provided, single submitter. Criteria: LMM Criteria. Collection method: clinical testing. Allele origin: germline. Inheritance: Autosomal recessive inheritance. Observed: 4 variant alleles.
Comment: The p.Arg143LysfsX4 variant in KIAA0586 has been reported in more than 20 indivi duals with Joubert syndrome in the compound heterozygous or homozygous state and is considered to be the most frequent pathogenic variant in the gene (Akawi 201 5, Bachmann-Gagescu-2015, Roosing 2015, Stephen 2015). This variant has been ide ntified in 0.49% (578/117798) of European chromosomes by the Genome Aggregation Database (gnomAD; dbSNP rs534542684). Although this variant has been seen in the general population, its frequency is low enou gh to be consistent with a recessive carrier frequency. This variant is predicte d to cause a frameshift, which alters the protein?s amino acid sequence beginnin g at position 143 and leads to a premature termination codon 4 amino acids downs tream. This alteration is then predicted to lead to a truncated or absent protei n. In summary, this variant meets criteria to be classified as pathogenic for Jo ubert syndrome in an autosomal recessive manner based upon segregation studies, predicted functional impact and lower frequency in controls. ACMG/AMP Criteria a pplied: PVS1_Strong, PM3_Strong.

UW Hindbrain Malformation Research Program, University of Washington
Classification: Pathogenic for Joubert syndrome 23. Last evaluated: 2015-09-01. Review status: criteria provided, single submitter. Criteria: Submitter's publication. Collection method: research. Allele origin: unknown. Affected: yes.

Clinical Genetics Service, Universitary Hospital 12 de Octubre
Classification: Likely pathogenic for Joubert syndrome 23. Review status: criteria provided, single submitter. Criteria: ACMG Guidelines, 2015. Collection method: clinical testing. Allele origin: germline. Affected: yes.

UNC Molecular Genetics  Laboratory, University of North Carolina at Chapel Hill
Classification: Likely pathogenic for Short-rib thoracic dysplasia 14 with polydactyly; Joubert syndrome 23. Review status: criteria provided, single submitter. Criteria: ACMG Guidelines, 2015. Collection method: research. Allele origin: germline. Affected: no. Observed: 1 variant allele. Study: NSIGHT-NC NEXUS.
Comment: This variant has been reported in Joubert syndrome and in cases with overlapping features of Jeune syndrome, or short-rib thoracic dysplasia with polydactyly. The c.428delG variant is considered a mild or hypomorphic variant that only causes disease when inherited in trans with a more severe KIAA0586 mutation (PMID: 29068549; 28125082; 26026149; 26096313; 26386044, 26386247; 30120217).

carrier finding

Biochemical Molecular Genetic Laboratory, King Abdulaziz Medical City
Classification: Likely pathogenic for Short-rib thoracic dysplasia 14 with polydactyly. Last evaluated: 2020-09-10. Review status: no assertion criteria provided. Collection method: clinical testing. Allele origin: germline. Affected: yes. Not counted in ClinVar's aggregate classification.